The following is an entry in ClinVar:

NM_003999.3(OSMR):c.150dup (p.Gln51fs)

Gene: OSMR (oncostatin M receptor; plus strand). Cytogenetic location: 5p13.1.
Variant type: Duplication.
Coding change: c.150dup on transcript NM_003999.3 (MANE Select); coding-DNA position 150, one base duplicated (A; older notation c.150dupA).
Protein change: p.Gln51fs; shifts the reading frame from glutamine 51.
Molecular consequence: frameshift variant.
Genome position (GRCh38, 1-based): chr5:38,876,277, A duplicated. VCF-style (leftmost placement, unchanged base first): chr5-38876276-T-TA. GRCh37 (hg19) VCF-style: chr5-38876378-T-TA.
Other names: c.150dup, p.Gln51fs (NM_001168355.3, NM_001323504.2, NM_001323505.2 and 2 more transcripts); short protein forms Q51fs.
Identifiers: ClinVar variation 4292989 (VCV004292989.2).

ClinVar aggregate classification (germline): Conflicting classifications of pathogenicity. Review status: criteria provided, conflicting classifications (1 of 4 stars). 2 submissions from 2 submitters: Likely pathogenic (1); Uncertain significance (1). Last evaluated 2025-04-03.

Conditions:
OSMR-related Atopic disorder.
Increased circulating IgE concentration. Also called: Increased IgE level; Ige, elevated level of. Identifiers: MedGen C0236175, HP:0003212.
Food allergy. Identifiers: MedGen C4554344, MONDO:0700226, HP:0500093.
Increased total eosinophil count. Also called: Eosinophilia. Identifiers: MedGen C0014457, HP:0001880.
Atopic eczema. Identifiers: MedGen C0011615, MONDO:0004980, HP:0001047.

Submissions (2):

3billion
Classification: Uncertain significance for OSMR-related Atopic disorder. Last evaluated: 2025-04-03. Review status: criteria provided, single submitter. Criteria: ACMG Guidelines, 2015. Collection method: clinical testing. Allele origin: germline. Affected: yes.

Turvey Lab, BC Children's Hospital Research Institute
Classification: Likely pathogenic for Atopic eczema; Increased circulating IgE concentration; Increased total eosinophil count; Food allergy. Review status: criteria provided, single submitter. Criteria: ACMG Guidelines, 2015. Collection method: research. Allele origin: germline. Affected: yes. Observed: 1 variant allele.
Comment: The OSMR c.150dup (p.Gln51Thrfs23) variant is a single nucleotide duplication causing a frameshift and premature stop codon in the cytokine-binding domain of OSMRβ, a member of the IL-6 superfamily that mediates signalling through both the OSM type II receptor and the IL-31 receptor. This variant has been identified in one proband with severe early-onset atopic dermatitis, peripheral eosinophilia, and elevated serum IgE, in whom it was found in the homozygous state (Samra et al., JHI 2026; DOI 10.70962/jhi.20260067). Functional studies in HEK293 cells demonstrated that OSMRβ protein bearing the p.Gln51Thrfs23 variant showed markedly reduced/absent cell surface expression compared to wildtype, consistent with a loss-of-function effect (PS3). This variant is absent from the Genome Aggregation Database (gnomAD), indicating it is not a common polymorphism (PM2). In silico prediction tools including CADD, SIFT, and PolyPhen-2 predict this variant to be damaging (PP3). Although this frameshift variant would ordinarily warrant consideration of PVS1, this criterion was intentionally not applied as loss-of-function has not yet been established as a disease mechanism for OSMR in a peer-reviewed publication; this classification will be reviewed and updated upon formal publication of the associated manuscript. In summary, this variant is classified as Likely Pathogenic based on the following ACMG/AMP criteria: PS3 (Strong), PM2 (Moderate), PP3 (Supporting), meeting rule (ii) for Likely Pathogenic classification (1 Strong + 1–2 Moderate).